The following is an entry in ClinVar:

NM_003331.5(TYK2):c.3133_3142del (p.Ala1045fs)

Gene: TYK2 (tyrosine kinase 2; minus strand). Cytogenetic location: 19p13.2.
Variant type: Deletion.
Coding change: c.3133_3142del on transcript NM_003331.5 (MANE Select); coding-DNA positions 3133 to 3142, 10 bases deleted (GCCAAGGCCG; older notation c.3133_3142delGCCAAGGCCG).
Protein change: p.Ala1045fs; shifts the reading frame from alanine 1045.
Molecular consequence: frameshift variant.
Genome position (GRCh38, 1-based): chr19:10,352,984-10,352,993, CGGCCTTGGC deleted on the plus strand (GCCAAGGCCG on the coding strand, the reverse complement: TYK2 is on the minus strand). VCF-style (leftmost placement, unchanged base first): chr19-10352983-ACGGCCTTGGC-A. GRCh37 (hg19) VCF-style: chr19-10463659-ACGGCCTTGGC-A.
Other names: c.3133_3142del, p.Ala1045fs (NM_001385197.1, NM_001385198.1, NM_001406461.1); c.2947_2956del, p.Ala983fs (NM_001385199.1); c.3130_3139del, p.Ala1044fs (NM_001385200.1); c.2935_2944del, p.Ala979fs (NM_001385201.1); c.3049_3058del, p.Ala1017fs (NM_001385202.1); c.3214_3223del, p.Ala1072fs (NM_001385203.1); c.3343_3352del, p.Ala1115fs (NM_001385204.1); c.3043_3052del, p.Ala1015fs (NM_001385205.1); and 2 more; short protein forms A1003fs, A1015fs, A1017fs, A1039fs, A1044fs, A1045fs, A1072fs, A1115fs.
Identifiers: ClinVar variation 4803568 (VCV004803568.1).

ClinVar aggregate classification (germline): Pathogenic (1 of 4 stars; one submission).

Conditions:
Immunodeficiency 35 (IMD35). Also called: HIES WITH ATYPICAL MYCOBACTERIOSIS, AUTOSOMAL RECESSIVE; HYPER-IgE SYNDROME WITH ATYPICAL MYCOBACTERIOSIS, AUTOSOMAL RECESSIVE; TYK2 DEFICIENCY; Susceptibility to infection due to TYK2 deficiency. Identifiers: Orphanet 331226, MedGen C1969086, MONDO:0012682, OMIM 611521.

Submission:

Labcorp Genetics (formerly Invitae), Labcorp
Classification: Pathogenic for Immunodeficiency 35. Last evaluated: 2025-06-27. Review status: criteria provided, single submitter. Criteria: Invitae Variant Classification Sherloc (09022015). Collection method: clinical testing. Allele origin: germline.
Comment: This sequence change creates a premature translational stop signal (p.Ala1045Cysfs*26) in the TYK2 gene. It is expected to result in an absent or disrupted protein product. Loss-of-function variants in TYK2 are known to be pathogenic (PMID: 22402565, 26304966). This variant is not present in population databases (gnomAD no frequency). This variant has not been reported in the literature in individuals affected with TYK2-related conditions. For these reasons, this variant has been classified as Pathogenic.

Literature cited by the submitters: PubMed 22402565; PubMed 26304966.